The following is an entry in ClinVar:

ClinVar aggregate classification (germline): Pathogenic (1 of 4 stars; one submission).

Submission:

Labcorp Genetics (formerly Invitae), Labcorp
Classification: Pathogenic. Last evaluated: 2025-12-19. Review status: criteria provided, single submitter. Criteria: Invitae Variant Classification Sherloc (09022015). Collection method: clinical testing. Allele origin: germline.
Comment: This sequence change creates a premature translational stop signal (p.Trp989*) in the COL7A1 gene. It is expected to result in an absent or disrupted protein product. Loss-of-function variants in COL7A1 are known to be pathogenic (PMID: 16971478). This variant is not present in population databases (gnomAD no frequency). This premature translational stop signal has been observed in individual(s) with autosomal recessive COL7A1-related conditions (PMID: 19681861). For these reasons, this variant has been classified as Pathogenic.

Literature cited by the submitters: PubMed 16971478; PubMed 19681861.

NM_000094.4(COL7A1):c.2967G>A (p.Trp989Ter)

Gene: COL7A1 (collagen type VII alpha 1 chain; minus strand). Cytogenetic location: 3p21.31.
Variant type: single nucleotide variant.
Coding change: c.2967G>A on transcript NM_000094.4 (MANE Select); coding-DNA position 2967, G replaced by A.
Protein change: p.Trp989Ter; replaces tryptophan 989 with a stop codon.
Molecular consequence: nonsense.
Genome position (GRCh38, 1-based): chr3:48,587,445, C>T on the plus strand (G>A on the coding strand, the complement: COL7A1 is on the minus strand). VCF-style: chr3-48587445-C-T. GRCh37 (hg19) VCF-style: chr3-48624878-C-T.
Other names: short protein forms W989*.
Identifiers: ClinVar variation 4733197 (VCV004733197.1).